The following is an entry in ClinVar:

NM_001360016.2(G6PD):c.1396A>G (p.Thr466Ala)

Gene: G6PD (glucose-6-phosphate dehydrogenase; minus strand). Cytogenetic location: Xq28.
Variant type: single nucleotide variant.
Coding change: c.1396A>G on transcript NM_001360016.2 (MANE Select); coding-DNA position 1396, A replaced by G.
Protein change: p.Thr466Ala; replaces threonine 466 with alanine.
Molecular consequence: missense variant.
Genome position (GRCh38, 1-based): chrX:154,532,249, T>C on the plus strand (A>G on the coding strand, the complement: G6PD is on the minus strand). VCF-style: chrX-154532249-T-C. GRCh37 (hg19) VCF-style: chrX-153760464-T-C.
Other names: c.1486A>G, p.Thr496Ala (NM_000402.4); c.1396A>G, p.Thr466Ala (NM_001042351.3); short protein forms T466A, T496A.
Identifiers: ClinVar variation 2750020 (VCV002750020.3), dbSNP rs1603411210, ClinGen allele CA415232560.
Genomic context (GRCh38, chrX:154,532,249, plus strand): 5'-TGCCATAAATATAGGGGATGGGCTTGGGCTTCTCCAGCTCAATCTGGTGCAGCAGTGGGG[T>C]GAAAATACGCCAGGCCTCACGGAGCTCGTCGCTGAGGGGACATGGTATGGCTTGGGAGGC-3'
Protein context (NP_001346945.1, residues 456-476): DELREAWRIF[Thr466Ala]PLLHQIELEK

ClinVar aggregate classification (germline): Uncertain significance (1 of 4 stars; one submission).

Conditions:
Anemia, nonspherocytic hemolytic, due to G6PD deficiency (CNSHA1). Also called: ANEMIA, CONGENITAL, NONSPHEROCYTIC HEMOLYTIC, 1; Class I glucose-6-phosphate dehydrogenase deficiency; Favism, susceptibility to; Hemolytic anemia due to G6PD deficiency. Identifiers: Orphanet 466026, MedGen C2720289, MONDO:0010480, OMIM 300908.

Submission:

Labcorp Genetics (formerly Invitae), Labcorp
Classification: Uncertain significance for Anemia, nonspherocytic hemolytic, due to G6PD deficiency. Last evaluated: 2023-08-04. Review status: criteria provided, single submitter. Criteria: Invitae Variant Classification Sherloc (09022015). Collection method: clinical testing. Allele origin: germline.
Comment: This sequence change replaces threonine, which is neutral and polar, with alanine, which is neutral and non-polar, at codon 466 of the G6PD protein (p.Thr466Ala). This variant is not present in population databases (gnomAD no frequency). This variant has not been reported in the literature in individuals affected with G6PD-related conditions. Advanced modeling of protein sequence and biophysical properties (such as structural, functional, and spatial information, amino acid conservation, physicochemical variation, residue mobility, and thermodynamic stability) performed at Invitae indicates that this missense variant is expected to disrupt G6PD protein function. Experimental studies have shown that this missense change affects G6PD function (PMID: 29138396). In summary, the available evidence is currently insufficient to determine the role of this variant in disease. Therefore, it has been classified as a Variant of Uncertain Significance.

Literature cited by the submitters: PubMed 29138396.